The following is an entry in ClinVar:

NM_005585.5(SMAD6):c.81CGG[5] (p.Gly33dup)

Gene: SMAD6 (SMAD family member 6; plus strand). Cytogenetic location: 15q22.31.
Variant type: Microsatellite.
Coding change: c.81CGG[5] on transcript NM_005585.5 (MANE Select); five copies in a row of the 3-base unit CGG starting at c.81; the reference has four copies in a row; one copy, 3 bases duplicated.
Protein change: p.Gly33dup; duplicates glycine 33.
Molecular consequence: inframe insertion. On other transcripts: non-coding transcript variant (1).
Genome position (GRCh38, 1-based): chr15:66,703,348-66,703,350, CGG duplicated; duplicating any 3 consecutive bases within chr15:66,703,338-66,703,350 gives the same sequence; the position shown is the placement nearest the transcript's 3' end. VCF-style (leftmost placement, unchanged base first): chr15-66703337-A-AGCG. GRCh37 (hg19) VCF-style: chr15-66995675-A-AGCG.
Identifiers: ClinVar variation 1493177 (VCV001493177.6), dbSNP rs936063348, ClinGen allele CA271682525.
Genomic context (GRCh38, chr15:66,703,337, plus strand): 5'-TCGGGGCTGGTGCGGCGACTTTGGCGAAGTCGTGTGGTCCCCGACCGGGAGGAAGGCGGC[A>AGCG]GCGGCGGCGGCGGTGGCGGCGACGAGGATGGGAGCTTGGGCAGCCGAGCTGAGCCGGCCC-3'

ClinVar aggregate classification (germline): Uncertain significance (1 of 4 stars; one submission).

Conditions:
Aortic valve disease 2 (AOVD2). Identifiers: MedGen C3542024, MONDO:0013902, OMIM 614823.

Submission:

Labcorp Genetics (formerly Invitae), Labcorp
Classification: Uncertain significance for Aortic valve disease 2. Last evaluated: 2025-03-04. Review status: criteria provided, single submitter. Criteria: Invitae Variant Classification Sherloc (09022015). Collection method: clinical testing. Allele origin: germline.
Comment: This variant, c.90_92dup, results in the insertion of 1 amino acid(s) of the SMAD6 protein (p.Gly33dup), but otherwise preserves the integrity of the reading frame. This variant is present in population databases (no rsID available, gnomAD 0.01%). This variant has not been reported in the literature in individuals affected with SMAD6-related conditions. Experimental studies and prediction algorithms are not available or were not evaluated, and the functional significance of this variant is currently unknown. In summary, the available evidence is currently insufficient to determine the role of this variant in disease. Therefore, it has been classified as a Variant of Uncertain Significance.